The following is an entry in ClinVar:

NM_001370259.2(MEN1):c.503T>G (p.Leu168Arg)

Gene: MEN1 (menin 1; minus strand). Cytogenetic location: 11q13.1.
Variant type: single nucleotide variant.
Coding change: c.503T>G on transcript NM_001370259.2 (MANE Select); coding-DNA position 503, T replaced by G.
Protein change: p.Leu168Arg; replaces leucine 168 with arginine.
Molecular consequence: missense variant. On other transcripts: non-coding transcript variant (4).
Genome position (GRCh38, 1-based): chr11:64,808,042, A>C on the plus strand (T>G on the coding strand, the complement: MEN1 is on the minus strand). VCF-style: chr11-64808042-A-C. GRCh37 (hg19) VCF-style: chr11-64575514-A-C.
Other names: c.518T>G, p.Leu173Arg (NM_000244.4, NM_001407145.1, NM_001407150.1 and 5 more transcripts); c.503T>G, p.Leu168Arg (NM_001370251.2, NM_001370260.2, NM_001370261.2 and 12 more transcripts); short protein forms L168R, L173R.
Identifiers: ClinVar variation 4826516 (VCV004826516.1).
Genomic context (GRCh38, chr11:64,808,042, plus strand): 5'-GGCCCAAACACTACCCAGGCATGATCCTCAGACAGGGCGAGGTGGACATCCCGGAGACCC[A>C]GGGCCTGGCAGGCCCCAACCACAGCAAAGGCCACACCGGAGCTGTCCAATTTGGTGCCTG-3'
Protein context (NP_001357188.2, residues 158-178): AFAVVGACQA[Leu168Arg]GLRDVHLALS

ClinVar aggregate classification (germline): Uncertain significance (1 of 4 stars; one submission).

Conditions:
Hereditary cancer-predisposing syndrome. Also called: Neoplastic Syndromes, Hereditary; Tumor predisposition; Hereditary Cancer Syndrome; Hereditary neoplastic syndrome. Identifiers: Orphanet 140162, MedGen C0027672, MeSH D009386, MONDO:0015356.

Submission:

Ambry Genetics
Classification: Uncertain significance for Hereditary cancer-predisposing syndrome. Last evaluated: 2026-02-27. Review status: criteria provided, single submitter. Criteria: Ambry Variant Classification Scheme 2023. Collection method: clinical testing. Allele origin: germline.
Comment: The p.L168R variant (also known as c.503T>G), located in coding exon 2 of the MEN1 gene, results from a T to G substitution at nucleotide position 503. The leucine at codon 168 is replaced by arginine, an amino acid with dissimilar properties. This amino acid position is conserved. In addition, this alteration is predicted to be deleterious by in silico analysis. Based on the available evidence, the clinical significance of this variant remains unclear.